The following is an entry in ClinVar:

NM_212552.3(BOLA3):c.9A>G (p.Ala3=)

Gene: BOLA3 (bolA family member 3; minus strand). Cytogenetic location: 2p13.1.
Variant type: single nucleotide variant.
Coding change: c.9A>G on transcript NM_212552.3 (MANE Select); coding-DNA position 9, A replaced by G.
Protein change: p.Ala3=; no amino-acid change (alanine 3 retained).
Molecular consequence: synonymous variant.
Genome position (GRCh38, 1-based): chr2:74,147,866, T>C on the plus strand (A>G on the coding strand, the complement: BOLA3 is on the minus strand). VCF-style: chr2-74147866-T-C. GRCh37 (hg19) VCF-style: chr2-74374993-T-C.
Other names: c.9A>G, p.Ala3= (NM_001035505.2).
Identifiers: ClinVar variation 508299 (VCV000508299.8), dbSNP rs955861919, ClinGen allele CA50436021.

ClinVar aggregate classification (germline): Likely benign. Review status: criteria provided, multiple submitters, no conflicts (2 of 4 stars). 2 submissions from 2 submitters: Likely benign (2). Last evaluated 2021-12-21.

Allele frequency attached by ClinVar (database versions not stated): gnomAD exomes 0.00002.

Submissions (2):

Labcorp Genetics (formerly Invitae), Labcorp
Classification: Likely benign. Last evaluated: 2021-12-21. Review status: criteria provided, single submitter. Criteria: Invitae Variant Classification Sherloc (09022015). Collection method: clinical testing. Allele origin: germline.

GeneDx
Classification: Likely benign. Last evaluated: 2017-04-07. Review status: criteria provided, single submitter. Criteria: GeneDx Variant Classification (06012015). Collection method: clinical testing. Allele origin: germline. Affected: yes.
Comment: This variant is considered likely benign or benign based on one or more of the following criteria: it is a conservative change, it occurs at a poorly conserved position in the protein, it is predicted to be benign by multiple in silico algorithms, and/or has population frequency not consistent with disease.